The following is an entry in ClinVar:

NM_000492.4(CFTR):c.1680-883A>G

Gene: CFTR (CF transmembrane conductance regulator; plus strand). Cytogenetic location: 7q31.2.
Variant type: single nucleotide variant.
Coding change: c.1680-883A>G on transcript NM_000492.4 (MANE Select); 883 bases into the intron before coding-DNA position 1680, A replaced by G.
Molecular consequence: intron variant.
Genome position (GRCh38, 1-based): chr7:117,589,470, A>G. VCF-style: chr7-117589470-A-G. GRCh37 (hg19) VCF-style: chr7-117229524-A-G.
Identifiers: ClinVar variation 556555 (VCV000556555.4), dbSNP rs1554388867, ClinGen allele CA658822497.

ClinVar aggregate classification (germline): Pathogenic/Likely pathogenic. Review status: criteria provided, multiple submitters, no conflicts (2 of 4 stars). 3 submissions from 3 submitters: Pathogenic (1); Likely pathogenic (1). 1 of the submissions does not count toward it. Last evaluated 2024-10-28.

Conditions:
CFTR-related disorder (CFTR-RD). Also called: CFTR-related disorders; CFTR-related condition. Identifiers: MedGen C5924204, MONDO:7770004.
Cystic fibrosis (CF). Also called: MUCOVISCIDOSIS. Identifiers: Orphanet 586, MedGen C0010674, MONDO:0009061, OMIM 219700. Disease mechanism: loss of function.

Submissions (3):

Natera, Inc.
Classification: Likely pathogenic for CFTR-related disorders. Last evaluated: 2024-10-28. Review status: criteria provided, single submitter. Criteria: Natera Variant Classification Schema (03/2026). Collection method: clinical testing. Allele origin: germline.
Comment: The c.1680-883A>G variant in CFTR is an intronic variant located outside the canonical splice sites. This variant is rare in the general population with a frequency below the threshold expected for the associated phenotype(s). This variant has been observed in one or more individuals affected with the associated recessive disease, as either homozygous or compound heterozygous with a second variant (PMID: 25569440, 35698963). Functional studies show that this variant may disrupt protein function (PMID: 25569440). Given the available evidence, this variant is classified as Likely Pathogenic.

CFTR-France
Classification: Pathogenic for cystic fibrosis. Last evaluated: 2018-01-29. Review status: criteria provided, single submitter. Criteria: Claustres M et al. (Hum Mutat 2017). Collection method: curation. Allele origin: germline. Affected: yes.

Counsyl
Classification: Likely pathogenic for Cystic fibrosis. Last evaluated: 2018-02-06. Review status: no assertion criteria provided. Collection method: clinical testing. Allele origin: unknown. Not counted in ClinVar's aggregate classification.

Literature cited by the submitters: PubMed 25569440 (cited by Natera, Inc. and Counsyl); PubMed 35698963 (cited by Natera, Inc.).